The following is an entry in ClinVar:

NM_014003.4(DHX38):c.2174A>T (p.Glu725Val)

Gene: DHX38 (DEAH-box helicase 38; plus strand). Cytogenetic location: 16q22.2.
Variant type: single nucleotide variant.
Coding change: c.2174A>T on transcript NM_014003.4 (MANE Select); coding-DNA position 2174, A replaced by T.
Protein change: p.Glu725Val; replaces glutamic acid 725 with valine.
Molecular consequence: missense variant.
Genome position (GRCh38, 1-based): chr16:72,105,049, A>T. VCF-style: chr16-72105049-A-T. GRCh37 (hg19) VCF-style: chr16-72138948-A-T.
Other names: c.2174A>T (NM_014003.3); short protein forms E725V.
Identifiers: ClinVar variation 1522478 (VCV001522478.8), dbSNP rs755434661, ClinGen allele CA8160562.

ClinVar aggregate classification (germline): Uncertain significance. Review status: criteria provided, multiple submitters, no conflicts (2 of 4 stars). 3 submissions from 3 submitters: Uncertain significance (3). Last evaluated 2024-08-04.

Allele frequency attached by ClinVar (database versions not stated): gnomAD exomes below 0.00001 and 0.00001; ExAC 0.00001; gnomAD 0.00001.
gnomAD v4.1: 16 of 1,614,040 alleles (0.00099%); highest among the groups gnomAD compares: Non-Finnish European, 0.0012%; no homozygotes.

Submissions (3):

Ambry Genetics
Classification: Uncertain significance. Last evaluated: 2024-08-04. Review status: criteria provided, single submitter. Criteria: Ambry Variant Classification Scheme 2023. Collection method: clinical testing. Allele origin: germline.

Blueprint Genetics
Classification: Uncertain significance. Last evaluated: 2022-11-15. Review status: criteria provided, single submitter. Criteria: ACMG Guidelines, 2015. Collection method: clinical testing. Allele origin: germline.

Labcorp Genetics (formerly Invitae), Labcorp
Classification: Uncertain significance. Last evaluated: 2021-11-03. Review status: criteria provided, single submitter. Criteria: Invitae Variant Classification Sherloc (09022015). Collection method: clinical testing. Allele origin: germline.
Comment: In summary, the available evidence is currently insufficient to determine the role of this variant in disease. Therefore, it has been classified as a Variant of Uncertain Significance. Algorithms developed to predict the effect of missense changes on protein structure and function are either unavailable or do not agree on the potential impact of this missense change (SIFT: "Deleterious"; PolyPhen-2: "Benign"; Align-GVGD: "Class C65"). This variant has not been reported in the literature in individuals affected with DHX38-related conditions. This variant is present in population databases (rs755434661, gnomAD 0.003%). This sequence change replaces glutamic acid, which is acidic and polar, with valine, which is neutral and non-polar, at codon 725 of the DHX38 protein (p.Glu725Val).